The following is an entry in ClinVar:

NM_018684.4(ZC4H2):c.218T>C (p.Ile73Thr)

Gene: ZC4H2 (zinc finger C4H2-type containing; minus strand). Cytogenetic location: Xq11.2.
Variant type: single nucleotide variant.
Coding change: c.218T>C on transcript NM_018684.4 (MANE Select); coding-DNA position 218, T replaced by C.
Protein change: p.Ile73Thr; replaces isoleucine 73 with threonine.
Molecular consequence: missense variant. On other transcripts: non-coding transcript variant (1).
Genome position (GRCh38, 1-based): chrX:64,921,824, A>G on the plus strand (T>C on the coding strand, the complement: ZC4H2 is on the minus strand). VCF-style: chrX-64921824-A-G. GRCh37 (hg19) VCF-style: chrX-64141704-A-G.
Other names: c.149T>C, p.Ile50Thr (NM_001178032.3, NM_001243804.2); c.218T>C, p.Ile73Thr (NM_001178033.3); short protein forms I50T, I73T.
Identifiers: ClinVar variation 2504994 (VCV002504994.5), dbSNP rs2519696208, ClinGen allele CA413412108.

ClinVar aggregate classification (germline): Uncertain significance. Review status: criteria provided, multiple submitters, no conflicts (2 of 4 stars). 3 submissions from 3 submitters: Uncertain significance (3). Last evaluated 2025-07-08.

Conditions:
Inborn genetic diseases. Identifiers: MedGen C0950123, MeSH D030342.

Submissions (3):

Ambry Genetics
Classification: Uncertain significance for Inborn genetic diseases. Last evaluated: 2025-07-08. Review status: criteria provided, single submitter. Criteria: Ambry Variant Classification Scheme 2023. Collection method: clinical testing. Allele origin: germline.

GeneDx
Classification: Uncertain significance. Last evaluated: 2022-12-08. Review status: criteria provided, single submitter. Criteria: GeneDx Variant Classification Process June 2021. Collection method: clinical testing. Allele origin: germline. Affected: yes.
Comment: Not observed at significant frequency in large population cohorts (gnomAD); In silico analysis supports that this missense variant has a deleterious effect on protein structure/function; Has not been previously published as pathogenic or benign to our knowledge

Labcorp Genetics (formerly Invitae), Labcorp
Classification: Uncertain significance. Last evaluated: 2022-11-11. Review status: criteria provided, single submitter. Criteria: Invitae Variant Classification Sherloc (09022015). Collection method: clinical testing. Allele origin: germline.
Comment: This sequence change replaces isoleucine, which is neutral and non-polar, with threonine, which is neutral and polar, at codon 73 of the ZC4H2 protein (p.Ile73Thr). This variant is not present in population databases (gnomAD no frequency). This variant has not been reported in the literature in individuals affected with ZC4H2-related conditions. Algorithms developed to predict the effect of missense changes on protein structure and function (SIFT, PolyPhen-2, Align-GVGD) all suggest that this variant is likely to be disruptive. In summary, the available evidence is currently insufficient to determine the role of this variant in disease. Therefore, it has been classified as a Variant of Uncertain Significance.